The following is an entry in ClinVar:

ClinVar aggregate classification (germline): Uncertain significance (1 of 4 stars; one submission).

Submission:

Labcorp Genetics (formerly Invitae), Labcorp
Classification: Uncertain significance. Last evaluated: 2024-07-12. Review status: criteria provided, single submitter. Criteria: Invitae Variant Classification Sherloc (09022015). Collection method: clinical testing. Allele origin: germline.
Comment: This sequence change replaces glutamic acid, which is acidic and polar, with lysine, which is basic and polar, at codon 555 of the VCAN protein (p.Glu555Lys). This variant is present in population databases (rs765224718, gnomAD 0.0009%). This variant has not been reported in the literature in individuals affected with VCAN-related conditions. An algorithm developed to predict the effect of missense changes on protein structure and function (PolyPhen-2) suggests that this variant is likely to be tolerated. In summary, the available evidence is currently insufficient to determine the role of this variant in disease. Therefore, it has been classified as a Variant of Uncertain Significance.

NM_004385.5(VCAN):c.1663G>A (p.Glu555Lys)

Gene: VCAN (versican; plus strand). Cytogenetic location: 5q14.3.
Variant type: single nucleotide variant.
Coding change: c.1663G>A on transcript NM_004385.5 (MANE Select); coding-DNA position 1663, G replaced by A.
Protein change: p.Glu555Lys; replaces glutamic acid 555 with lysine.
Molecular consequence: missense variant. On other transcripts: intron variant (2).
Genome position (GRCh38, 1-based): chr5:83,519,969, G>A. VCF-style: chr5-83519969-G-A. GRCh37 (hg19) VCF-style: chr5-82815788-G-A.
Other names: c.1663G>A, p.Glu555Lys (NM_001164098.2); c.1042+7573G>A (NM_001164097.2, NM_001126336.3); short protein forms E555K.
Identifiers: ClinVar variation 3678794 (VCV003678794.2).